The following is an entry in ClinVar:

NM_005602.6(CLDN11):c.153G>T (p.Gly51=)

Gene: CLDN11 (claudin 11; plus strand). Cytogenetic location: 3q26.2.
Variant type: single nucleotide variant.
Coding change: c.153G>T on transcript NM_005602.6 (MANE Select); coding-DNA position 153, G replaced by T.
Protein change: p.Gly51=; no amino-acid change (glycine 51 retained).
Molecular consequence: synonymous variant.
Genome position (GRCh38, 1-based): chr3:170,419,219, G>T. VCF-style: chr3-170419219-G-T. GRCh37 (hg19) VCF-style: chr3-170137007-G-T.
Identifiers: ClinVar variation 2654272 (VCV002654272.24), dbSNP rs763700655, ClinGen allele CA436774964.

ClinVar aggregate classification (germline): Likely benign (1 of 4 stars; one submission).

Submission:

CeGaT Center for Human Genetics Tuebingen
Classification: Likely benign. Last evaluated: 2022-12-01. Review status: criteria provided, single submitter. Criteria: CeGaT Center For Human Genetics Tuebingen Variant Classification Criteria Version 2. Collection method: clinical testing. Allele origin: germline. Affected: yes. Observed: 1 variant allele.
Comment: CLDN11: PM2:Supporting, BP4, BP7